The following is an entry in ClinVar:

NM_004793.4(LONP1):c.2703G>A (p.Ala901=)

Gene: LONP1 (lon peptidase 1, mitochondrial; minus strand). Cytogenetic location: 19p13.3.
Variant type: single nucleotide variant.
Coding change: c.2703G>A on transcript NM_004793.4 (MANE Select); coding-DNA position 2703, G replaced by A.
Protein change: p.Ala901=; no amino-acid change (alanine 901 retained).
Molecular consequence: synonymous variant. On other transcripts: non-coding transcript variant (1).
Genome position (GRCh38, 1-based): chr19:5,693,298, C>T on the plus strand (G>A on the coding strand, the complement: LONP1 is on the minus strand). VCF-style: chr19-5693298-C-T. GRCh37 (hg19) VCF-style: chr19-5693309-C-T.
Other names: c.2511G>A, p.Ala837= (NM_001276479.2); c.2115G>A, p.Ala705= (NM_001276480.1).
Identifiers: ClinVar variation 2724158 (VCV002724158.3), dbSNP rs527366898, ClinGen allele CA9114022.
Genomic context (GRCh38, chr19:5,693,298, plus strand): 5'-GCCTGTCCCGTGGTGGTGTGGGCCCTGCCAGTGCTGTGGGGTGGGTACAGGGACACTCAC[C>T]GCAATGGTCTTCTCCTTGATGCCACCAACAGGCAGGATCTTGCCCGTGAGGGAGACTTCG-3'
Protein context (NP_004784.2, residues 891-911): PVGGIKEKTI[Ala901=]AKRAGVTCIV

ClinVar aggregate classification (germline): Uncertain significance (1 of 4 stars; one submission).

gnomAD v4.1: 47 of 1,609,314 alleles (0.0029%); highest among the groups gnomAD compares: African/African-American, 0.013%; no homozygotes.

Submission:

Labcorp Genetics (formerly Invitae), Labcorp
Classification: Uncertain significance. Last evaluated: 2023-08-30. Review status: criteria provided, single submitter. Criteria: Invitae Variant Classification Sherloc (09022015). Collection method: clinical testing. Allele origin: germline.
Comment: Variants that disrupt the consensus splice site are a relatively common cause of aberrant splicing (PMID: 17576681, 9536098). Algorithms developed to predict the effect of sequence changes on RNA splicing suggest that this variant is not likely to affect RNA splicing. This sequence change affects codon 901 of the LONP1 mRNA. It is a 'silent' change, meaning that it does not change the encoded amino acid sequence of the LONP1 protein. This variant also falls at the last nucleotide of exon 17, which is part of the consensus splice site for this exon. This variant is present in population databases (rs527366898, gnomAD 0.004%). This variant has not been reported in the literature in individuals affected with LONP1-related conditions. In summary, the available evidence is currently insufficient to determine the role of this variant in disease. Therefore, it has been classified as a Variant of Uncertain Significance.

Literature cited by the submitters: PubMed 17576681; PubMed 9536098.